The following is an entry in ClinVar:

NM_004046.6(ATP5F1A):c.211A>C (p.Thr71Pro)

Gene: ATP5F1A (ATP synthase F1 subunit alpha; minus strand). Cytogenetic location: 18q21.1.
Variant type: single nucleotide variant.
Coding change: c.211A>C on transcript NM_004046.6 (MANE Select); coding-DNA position 211, A replaced by C.
Protein change: p.Thr71Pro; replaces threonine 71 with proline.
Molecular consequence: missense variant.
Genome position (GRCh38, 1-based): chr18:46,091,780, T>G on the plus strand (A>C on the coding strand, the complement: ATP5F1A is on the minus strand). VCF-style: chr18-46091780-T-G. GRCh37 (hg19) VCF-style: chr18-43671746-T-G.
Other names: c.61A>C, p.Thr21Pro (NM_001001935.3, NM_001257335.2); c.211A>C, p.Thr71Pro (NM_001001937.2, NM_001257334.2); short protein forms T21P, T71P.
Identifiers: ClinVar variation 4531073 (VCV004531073.1).

ClinVar aggregate classification (germline): Uncertain significance (1 of 4 stars; one submission).

gnomAD v4.1: 2 of 1,613,898 alleles (0.00012%); highest among the groups gnomAD compares: Non-Finnish European, 0.00017%; no homozygotes.

Submission:

GeneDx
Classification: Uncertain significance. Last evaluated: 2025-05-20. Review status: criteria provided, single submitter. Criteria: GeneDx Variant Classification Process June 2021. Collection method: clinical testing. Allele origin: germline. Affected: yes.
Comment: Not observed at significant frequency in large population cohorts (gnomAD); In silico analysis supports that this missense variant has a deleterious effect on protein structure/function; Has not been previously published as pathogenic or benign to our knowledge